The following is an entry in ClinVar:

NM_006648.4(WNK2):c.4222G>C (p.Glu1408Gln)

Gene: WNK2 (WNK lysine deficient protein kinase 2; plus strand). Cytogenetic location: 9q22.31.
Variant type: single nucleotide variant.
Coding change: c.4222G>C on transcript NM_006648.4 (MANE Select); coding-DNA position 4222, G replaced by C.
Protein change: p.Glu1408Gln; replaces glutamic acid 1408 with glutamine.
Molecular consequence: missense variant.
Genome position (GRCh38, 1-based): chr9:93,288,976, G>C. VCF-style: chr9-93288976-G-C. GRCh37 (hg19) VCF-style: chr9-96051258-G-C.
Other names: c.4333G>C, p.Glu1445Gln (NM_001282394.3); short protein forms E1408Q, E1445Q.
Identifiers: ClinVar variation 3817268 (VCV003817268.1).

ClinVar aggregate classification (germline): Uncertain significance (1 of 4 stars; one submission).

gnomAD v4.1: 2 of 1,603,506 alleles (0.00012%); highest among the groups gnomAD compares: African/African-American, 0.0027%; no homozygotes.

Submission:

Ambry Genetics
Classification: Uncertain significance. Last evaluated: 2025-03-11. Review status: criteria provided, single submitter. Criteria: Ambry Variant Classification Scheme 2023. Collection method: clinical testing. Allele origin: germline.
Comment: The p.E1408Q variant (also known as c.4222G>C), located in coding exon 19 of the WNK2 gene, results from a G to C substitution at nucleotide position 4222. The glutamic acid at codon 1408 is replaced by glutamine, an amino acid with highly similar properties. This amino acid position is conserved. In addition, this alteration is predicted to be tolerated by in silico analysis. Based on the available evidence, the clinical significance of this variant remains unclear.